The following is an entry in ClinVar:

NM_001267550.2(TTN):c.26055C>T (p.Ser8685=)

Gene: TTN (titin; minus strand). Cytogenetic location: 2q31.2.
Variant type: single nucleotide variant.
Coding change: c.26055C>T on transcript NM_001267550.2 (MANE Select); coding-DNA position 26055, C replaced by T.
Protein change: p.Ser8685=; no amino-acid change (serine 8685 retained).
Molecular consequence: synonymous variant. On other transcripts: intron variant (3).
Genome position (GRCh38, 1-based): chr2:178,715,131, G>A on the plus strand (C>T on the coding strand, the complement: TTN is on the minus strand). VCF-style: chr2-178715131-G-A. GRCh37 (hg19) VCF-style: chr2-179579858-G-A.
Other names: c.25104C>T, p.Ser8368= (NM_001256850.1); c.22323C>T, p.Ser7441= (NM_133378.4); c.13282+22951C>T (NM_003319.4); c.13858+22951C>T (NM_133437.4); c.13657+22951C>T (NM_133432.3).
Identifiers: ClinVar variation 179968 (VCV000179968.17), dbSNP rs727505250, ClinGen allele CA185534.

ClinVar aggregate classification (germline): Conflicting classifications of pathogenicity. Review status: criteria provided, conflicting classifications (1 of 4 stars). 5 submissions from 5 submitters: Uncertain significance (1); Likely benign (4). Last evaluated 2026-01-14.

Conditions:
Autosomal recessive limb-girdle muscular dystrophy type 2J (LGMDR10). Also called: Limb-girdle muscular dystrophy, type 2J; MUSCULAR DYSTROPHY, LIMB-GIRDLE, AUTOSOMAL RECESSIVE 10. Identifiers: Orphanet 140922, MedGen C1837342, MONDO:0012127, OMIM 608807.
Dilated cardiomyopathy 1G (CMD1G). Identifiers: Orphanet 154, MedGen C1858763, MONDO:0011400, OMIM 604145.
Cardiomyopathy (CMYO). Also called: Cardiomyopathies. Identifiers: Orphanet 167848, MedGen C0878544, MONDO:0004994, HP:0001638. Inheritance: Various modes of inheritance.

Allele frequency attached by ClinVar (database versions not stated): gnomAD exomes 0.00002; TOPMed 0.00002.
gnomAD v4.1: 24 of 1,613,668 alleles (0.0015%); highest among the groups gnomAD compares: Non-Finnish European, 0.0018%; no homozygotes.

Submissions (5):

Labcorp Genetics (formerly Invitae), Labcorp
Classification: Likely benign for Dilated cardiomyopathy 1G; Autosomal recessive limb-girdle muscular dystrophy type 2J. Last evaluated: 2026-01-14. Review status: criteria provided, single submitter. Criteria: Invitae Variant Classification Sherloc (09022015). Collection method: clinical testing. Allele origin: germline.

Blueprint Genetics
Classification: Likely benign. Last evaluated: 2023-12-27. Review status: criteria provided, single submitter. Criteria: ACMG Guidelines, 2015. Collection method: clinical testing. Allele origin: germline.

GeneDx
Classification: Likely benign. Last evaluated: 2017-11-03. Review status: criteria provided, single submitter. Criteria: GeneDx Variant Classification (06012015). Collection method: clinical testing. Allele origin: germline. Affected: yes.
Comment: This variant is considered likely benign or benign based on one or more of the following criteria: it is a conservative change, it occurs at a poorly conserved position in the protein, it is predicted to be benign by multiple in silico algorithms, and/or has population frequency not consistent with disease.

CHEO Genetics Diagnostic Laboratory, Children's Hospital of Eastern Ontario
Classification: Uncertain significance for Cardiomyopathy. Last evaluated: 2015-09-18. Review status: criteria provided, single submitter. Criteria: ACMG Guidelines, 2015. Collection method: clinical testing. Allele origin: germline. Study: Canadian Open Genetics Repository.

Laboratory for Molecular Medicine, Mass General Brigham Personalized Medicine
Classification: Likely benign. Last evaluated: 2014-08-25. Review status: criteria provided, single submitter. Criteria: LMM Criteria. Collection method: clinical testing. Allele origin: germline. Observed: 1 variant allele.
Comment: Ser7441Ser in exon 87 of TTN: This variant is not expected to have clinical sign ificance because it does not alter an amino acid residue and is not located with in the splice consensus sequence.